The following is an entry in ClinVar:

NM_031407.7(HUWE1):c.6312+7T>A

Gene: HUWE1 (HECT, UBA and WWE domain containing E3 ubiquitin protein ligase 1; minus strand). Cytogenetic location: Xp11.22.
Variant type: single nucleotide variant.
Coding change: c.6312+7T>A on transcript NM_031407.7 (MANE Select); 7 bases into the intron after coding-DNA position 6312, T replaced by A.
Molecular consequence: intron variant.
Genome position (GRCh38, 1-based): chrX:53,573,743, A>T on the plus strand (T>A on the coding strand, the complement: HUWE1 is on the minus strand). VCF-style: chrX-53573743-A-T. GRCh37 (hg19) VCF-style: chrX-53600703-A-T.
Identifiers: ClinVar variation 2660624 (VCV002660624.24), dbSNP rs1370141610, ClinGen allele CA2695200204.

ClinVar aggregate classification (germline): Uncertain significance (1 of 4 stars; one submission).

Submission:

CeGaT Center for Human Genetics Tuebingen
Classification: Uncertain significance. Last evaluated: 2025-08-01. Review status: criteria provided, single submitter. Criteria: CeGaT Center For Human Genetics Tuebingen Variant Classification Criteria Version 2. Collection method: clinical testing. Allele origin: germline. Affected: yes. Observed: 2 variant alleles.
Comment: HUWE1: PM2, BP4